The following is an entry in ClinVar:

NM_004523.4(KIF11):c.733A>G (p.Met245Val)

Gene: KIF11 (kinesin family member 11; plus strand). Cytogenetic location: 10q23.33.
Variant type: single nucleotide variant.
Coding change: c.733A>G on transcript NM_004523.4 (MANE Select); coding-DNA position 733, A replaced by G.
Protein change: p.Met245Val; replaces methionine 245 with valine.
Molecular consequence: missense variant.
Genome position (GRCh38, 1-based): chr10:92,613,074, A>G. VCF-style: chr10-92613074-A-G. GRCh37 (hg19) VCF-style: chr10-94372831-A-G.
Other names: short protein forms M245V.
Identifiers: ClinVar variation 1013897 (VCV001013897.12), dbSNP rs1403095180, ClinGen allele CA377590033.
Genomic context (GRCh38, chr10:92,613,074, plus strand): 5'-CTGGGCAACTTGATATTGTTTTCTAGTCGTTCCCACTCAGTTTTCTCTGTTACAATACAT[A>G]TGAAAGAAACTACGATTGATGGAGAAGAGCTTGTTAAAATCGGAAAGTTGAACTTGGTAA-3'
Protein context (NP_004514.2, residues 235-255): SHSVFSVTIH[Met245Val]KETTIDGEEL

ClinVar aggregate classification (germline): Uncertain significance. Review status: criteria provided, multiple submitters, no conflicts (2 of 4 stars). 2 submissions from 2 submitters: Uncertain significance (2). Last evaluated 2022-07-05.

Conditions:
Microcephaly with or without chorioretinopathy, lymphedema, or impaired intellectual development. Also called: Microcephaly with or without chorioretinopathy, lymphedema, or mental retardation; MICROCEPHALY AND CHORIORETINOPATHY WITH OR WITHOUT MENTAL RETARDATION, AUTOSOMAL DOMINANT; MICROCEPHALY, LYMPHEDEMA, CHORIORETINAL DYSPLASIA SYNDROME; Microcephaly with or without chorioretinopathy, lymphedema, or intellectual disability; Microcephaly lymphedema chorioretinal dysplasia. Identifiers: Orphanet 2526, MedGen C1835265, MONDO:0007918, OMIM 152950.

Submissions (2):

Labcorp Genetics (formerly Invitae), Labcorp
Classification: Uncertain significance. Last evaluated: 2022-07-05. Review status: criteria provided, single submitter. Criteria: Invitae Variant Classification Sherloc (09022015). Collection method: clinical testing. Allele origin: germline.
Comment: This sequence change replaces methionine, which is neutral and non-polar, with valine, which is neutral and non-polar, at codon 245 of the KIF11 protein (p.Met245Val). This variant is not present in population databases (gnomAD no frequency). This variant has not been reported in the literature in individuals affected with KIF11-related conditions. ClinVar contains an entry for this variant (Variation ID: 1013897). Algorithms developed to predict the effect of missense changes on protein structure and function are either unavailable or do not agree on the potential impact of this missense change (SIFT: "Deleterious"; PolyPhen-2: "Possibly Damaging"; Align-GVGD: "Class C15"). In summary, the available evidence is currently insufficient to determine the role of this variant in disease. Therefore, it has been classified as a Variant of Uncertain Significance.

Juno Genomics, Hangzhou Juno Genomics, Inc
Classification: Uncertain significance for Microcephaly with or without chorioretinopathy, lymphedema, or impaired intellectual development. Review status: criteria provided, single submitter. Criteria: ACMG Guidelines, 2015. Collection method: clinical testing. Allele origin: germline. Affected: yes.
Comment: Absent from controls (or at extremely low frequency if recessive) in Genome Aggregation Database, Exome Sequencing Project, 1000 Genomes Project, or Exome Aggregation Consortium.;De novo (both maternity and paternity confirmed) in a patient with the disease and no family history.;Missense variant in a gene that has a low rate of benign missense variation and where missense variants are a common mechanism of disease.